The following is an entry in ClinVar:

NM_001321818.2(RAD51B):c.1041G>T (p.Gln347His)

Genes: RAD51B (RAD51 paralog B; plus strand), RAD51B-AS1 (RAD51B antisense RNA 1; minus strand). Cytogenetic location: 14q24.1.
Variant type: single nucleotide variant.
Coding change: c.1041G>T on transcript NM_001321818.2; coding-DNA position 1041, G replaced by T.
Protein change: p.Gln347His; replaces glutamine 347 with histidine.
Molecular consequence: missense variant.
Genome position (GRCh38, 1-based): chr14:68,682,941, G>T. VCF-style: chr14-68682941-G-T. GRCh37 (hg19) VCF-style: chr14-69149658-G-T.
Other names: short protein forms Q347H.
Identifiers: ClinVar variation 3046979 (VCV003046979.2), dbSNP rs1159240971, ClinGen allele CA614943406.

ClinVar aggregate classification (germline): Likely benign (0 of 4 stars; one submission).

Conditions:
RAD51B-related disorder. Also called: RAD51B-related condition.

Allele frequency attached by ClinVar (database versions not stated): 1000 Genomes Project 30x 0.00016; gnomAD 0.00067.
gnomAD v4.1: 177 of 861,526 alleles (0.021%); highest among the groups gnomAD compares: Non-Finnish European, 0.022%; no homozygotes.

Submission:

PreventionGenetics, part of Exact Sciences
Classification: Likely benign for RAD51B-related condition. Last evaluated: 2023-02-28. Review status: no assertion criteria provided. Collection method: clinical testing. Allele origin: germline.
Comment: This variant is classified as likely benign based on ACMG/AMP sequence variant interpretation guidelines (Richards et al. 2015 PMID: 25741868, with internal and published modifications).